The following is an entry in ClinVar:

NM_005188.4(CBL):c.1132_1137del (p.Phe378_Gln379del)

Gene: CBL (Cbl proto-oncogene; plus strand). Cytogenetic location: 11q23.3.
Variant type: Deletion.
Coding change: c.1132_1137del on transcript NM_005188.4 (MANE Select); coding-DNA positions 1132 to 1137, 6 bases deleted (TTCCAA; older notation c.1132_1137delTTCCAA).
Protein change: p.Phe378_Gln379del.
Molecular consequence: inframe deletion.
Genome position (GRCh38, 1-based): chr11:119,278,202-119,278,207, TTCCAA deleted; deleting any 6 consecutive bases within chr11:119,278,201-119,278,207 gives the same sequence; the c. name uses the placement nearest the transcript's 3' end. VCF-style (leftmost placement, unchanged base first): chr11-119278200-CATTCCA-C. GRCh37 (hg19) VCF-style: chr11-119148910-CATTCCA-C.
Identifiers: ClinVar variation 1348152 (VCV001348152.8), dbSNP rs2135303632, ClinGen allele CA2573146907.

ClinVar aggregate classification (germline): Uncertain significance (1 of 4 stars; one submission).

Conditions:
RASopathy. Also called: Noonan spectrum disorder; rasopathies. Identifiers: Orphanet 536391, MedGen C5555857, MONDO:0021060.

Submission:

Labcorp Genetics (formerly Invitae), Labcorp
Classification: Uncertain significance for RASopathy. Last evaluated: 2021-04-23. Review status: criteria provided, single submitter. Criteria: Invitae Variant Classification Sherloc (09022015). Collection method: clinical testing. Allele origin: germline.
Comment: In summary, the available evidence is currently insufficient to determine the role of this variant in disease. Therefore, it has been classified as a Variant of Uncertain Significance. Experimental studies and prediction algorithms are not available or were not evaluated, and the functional significance of this variant is currently unknown. This variant has not been reported in the literature in individuals with CBL-related conditions. This variant is not present in population databases (ExAC no frequency). This variant, c.1132_1137del, results in the deletion of 2 amino acid(s) of the CBL protein (p.Phe378_Gln379del), but otherwise preserves the integrity of the reading frame.